The following is an entry in ClinVar:

NM_024422.6(DSC2):c.373A>G (p.Thr125Ala)

Gene: DSC2 (desmocollin 2; minus strand). Cytogenetic location: 18q12.1.
Variant type: single nucleotide variant.
Coding change: c.373A>G on transcript NM_024422.6 (MANE Select); coding-DNA position 373, A replaced by G.
Protein change: p.Thr125Ala; replaces threonine 125 with alanine.
Molecular consequence: missense variant.
Genome position (GRCh38, 1-based): chr18:31,091,129, T>C on the plus strand (A>G on the coding strand, the complement: DSC2 is on the minus strand). VCF-style: chr18-31091129-T-C. GRCh37 (hg19) VCF-style: chr18-28671092-T-C.
Other names: c.373A>G (NM_024422.3); c.373A>G, p.Thr125Ala (NM_004949.5); short protein forms T125A.
Identifiers: ClinVar variation 962465 (VCV000962465.13), dbSNP rs369061469, ClinGen allele CA038253.

ClinVar aggregate classification (germline): Uncertain significance. Review status: criteria provided, multiple submitters, no conflicts (2 of 4 stars). 4 submissions from 4 submitters: Uncertain significance (4). Last evaluated 2025-08-10.

Conditions:
Cardiomyopathy (CMYO). Also called: Cardiomyopathies. Identifiers: Orphanet 167848, MedGen C0878544, MONDO:0004994, HP:0001638. Inheritance: Various modes of inheritance.
Arrhythmogenic right ventricular dysplasia 11. Also called: Arrhythmogenic Right Ventricular Dysplasia/Cardiomyopathy11; ARRHYTHMOGENIC RIGHT VENTRICULAR DYSPLASIA, FAMILIAL, 11; Arrhythmogenic right ventricular dysplasia 11 with mild palmoplantar keratoderma and woolly hair. Identifiers: MedGen C1864850, MONDO:0012506, OMIM 610476.
Cardiovascular phenotype. Identifiers: MedGen CN230736.

Allele frequency attached by ClinVar (database versions not stated): gnomAD exomes 0.00001 and 0.00004; ExAC 0.00002; gnomAD 0.00001; ESP Exome Variant Server 0.00008; TOPMed 0.00002.
gnomAD v4.1: 63 of 1,613,886 alleles (0.0039%); highest among the groups gnomAD compares: Non-Finnish European, 0.0053%; no homozygotes.

Submissions (4):

Labcorp Genetics (formerly Invitae), Labcorp
Classification: Uncertain significance for Arrhythmogenic right ventricular dysplasia 11. Last evaluated: 2025-08-10. Review status: criteria provided, single submitter. Criteria: Invitae Variant Classification Sherloc (09022015). Collection method: clinical testing. Allele origin: germline.
Comment: This sequence change replaces threonine, which is neutral and polar, with alanine, which is neutral and non-polar, at codon 125 of the DSC2 protein (p.Thr125Ala). This variant is present in population databases (rs369061469, gnomAD 0.002%). This variant has not been reported in the literature in individuals affected with DSC2-related conditions. ClinVar contains an entry for this variant (Variation ID: 962465). Invitae Evidence Modeling of protein sequence and biophysical properties (such as structural, functional, and spatial information, amino acid conservation, physicochemical variation, residue mobility, and thermodynamic stability) indicates that this missense variant is not expected to disrupt DSC2 protein function with a negative predictive value of 80%. In summary, the available evidence is currently insufficient to determine the role of this variant in disease. Therefore, it has been classified as a Variant of Uncertain Significance.

Ambry Genetics
Classification: Uncertain significance for Cardiovascular phenotype. Last evaluated: 2024-07-14. Review status: criteria provided, single submitter. Criteria: Ambry Variant Classification Scheme 2023. Collection method: clinical testing. Allele origin: germline.
Comment: The p.T125A variant (also known as c.373A>G), located in coding exon 4 of the DSC2 gene, results from an A to G substitution at nucleotide position 373. The threonine at codon 125 is replaced by alanine, an amino acid with similar properties. This amino acid position is conserved. In addition, this alteration is predicted to be tolerated by in silico analysis. Based on the available evidence, the clinical significance of this variant remains unclear.

Color Diagnostics, LLC DBA Color Health
Classification: Uncertain significance for Cardiomyopathy. Last evaluated: 2024-03-19. Review status: criteria provided, single submitter. Criteria: ACMG Guidelines, 2015. Collection method: clinical testing. Allele origin: germline.
Comment: This missense variant replaces threonine with alanine at codon 125 of the DSC2 protein. Computational prediction suggests that this variant may not impact protein structure and function (internally defined REVEL score threshold <= 0.5, PMID: 27666373). To our knowledge, functional studies have not been reported for this variant. This variant has not been reported in individuals affected with DSC2-related disorders in the literature. This variant has been identified in 2/251110 chromosomes in the general population by the Genome Aggregation Database (gnomAD). The available evidence is insufficient to determine the role of this variant in disease conclusively. Therefore, this variant is classified as a Variant of Uncertain Significance.

Fulgent Genetics
Classification: Uncertain significance for Arrhythmogenic right ventricular dysplasia 11. Last evaluated: 2021-12-08. Review status: criteria provided, single submitter. Criteria: ACMG Guidelines, 2015. Collection method: clinical testing. Allele origin: unknown.